The following is an entry in ClinVar:

ClinVar aggregate classification (germline): Uncertain significance (1 of 4 stars; one submission).

Submission:

GeneDx
Classification: Uncertain significance. Last evaluated: 2022-06-08. Review status: criteria provided, single submitter. Criteria: GeneDx Variant Classification Process June 2021. Collection method: clinical testing. Allele origin: germline. Affected: yes.
Comment: Not observed at significant frequency in large population cohorts (gnomAD); In silico analysis supports that this missense variant has a deleterious effect on protein structure/function; Has not been previously published as pathogenic or benign to our knowledge; This variant is associated with the following publications: (PMID: 27535533)

NM_001042681.2(RERE):c.1766A>C (p.Lys589Thr)

Gene: RERE (arginine-glutamic acid dipeptide repeats; minus strand). Cytogenetic location: 1p36.23.
Variant type: single nucleotide variant.
Coding change: c.1766A>C on transcript NM_001042681.2 (MANE Select); coding-DNA position 1766, A replaced by C.
Protein change: p.Lys589Thr; replaces lysine 589 with threonine.
Molecular consequence: missense variant.
Genome position (GRCh38, 1-based): chr1:8,362,819, T>G on the plus strand (A>C on the coding strand, the complement: RERE is on the minus strand). VCF-style: chr1-8362819-T-G. GRCh37 (hg19) VCF-style: chr1-8422879-T-G.
Other names: c.104A>C, p.Lys35Thr (NM_001042682.2); c.1766A>C, p.Lys589Thr (NM_012102.4); short protein forms K35T, K589T.
Identifiers: ClinVar variation 1691581 (VCV001691581.3), dbSNP rs2124372483, ClinGen allele CA338174043.